The following is an entry in ClinVar:

NM_000535.7(PMS2):c.2521T>C (p.Trp841Arg)

Gene: PMS2 (PMS1 homolog 2, mismatch repair system component; minus strand). Cytogenetic location: 7p22.1.
Variant type: single nucleotide variant.
Coding change: c.2521T>C on transcript NM_000535.7 (MANE Select); coding-DNA position 2521, T replaced by C.
Protein change: p.Trp841Arg; replaces tryptophan 841 with arginine.
Molecular consequence: missense variant. On other transcripts: non-coding transcript variant (1).
Genome position (GRCh38, 1-based): chr7:5,973,467, A>G on the plus strand (T>C on the coding strand, the complement: PMS2 is on the minus strand). VCF-style: chr7-5973467-A-G. GRCh37 (hg19) VCF-style: chr7-6013098-A-G.
Other names: c.2116T>C, p.Trp706Arg (NM_001322003.2, NM_001322004.2, NM_001322005.2); c.2365T>C, p.Trp789Arg (NM_001322006.2); c.2203T>C, p.Trp735Arg (NM_001322007.2, NM_001322008.2); c.2149T>C, p.Trp717Arg (NM_001322009.2); c.1960T>C, p.Trp654Arg (NM_001322010.2); c.1588T>C, p.Trp530Arg (NM_001322011.2, NM_001322012.2); c.1948T>C, p.Trp650Arg (NM_001322013.2); c.2554T>C, p.Trp852Arg (NM_001322014.2); and 1 more; short protein forms W654R, W738R, W530R, W717R, W852R, W706R, W735R, W650R.
Identifiers: ClinVar variation 1045119 (VCV001045119.11), dbSNP rs1781493914, ClinGen allele CA366734877.

ClinVar aggregate classification (germline): Uncertain significance. Review status: criteria provided, multiple submitters, no conflicts (2 of 4 stars). 2 submissions from 2 submitters: Uncertain significance (2). Last evaluated 2024-03-25.

Conditions:
Hereditary cancer-predisposing syndrome. Also called: Hereditary Cancer Syndrome; Tumor predisposition; Hereditary neoplastic syndrome; Neoplastic Syndromes, Hereditary. Identifiers: Orphanet 140162, MedGen C0027672, MeSH D009386, MONDO:0015356.
Hereditary nonpolyposis colorectal neoplasms. Identifiers: MedGen C0009405, MeSH D003123.

Submissions (2):

Labcorp Genetics (formerly Invitae), Labcorp
Classification: Uncertain significance for Hereditary nonpolyposis colorectal neoplasms. Last evaluated: 2024-03-25. Review status: criteria provided, single submitter. Criteria: Invitae Variant Classification Sherloc (09022015). Collection method: clinical testing. Allele origin: germline.
Comment: This sequence change replaces tryptophan, which is neutral and slightly polar, with arginine, which is basic and polar, at codon 841 of the PMS2 protein (p.Trp841Arg). The frequency data for this variant in the population databases (gnomAD) is considered unreliable due to the presence of homologous sequence, such as pseudogenes or paralogs, in the genome. This variant has not been reported in the literature in individuals affected with PMS2-related conditions. ClinVar contains an entry for this variant (Variation ID: 1045119). Advanced modeling of protein sequence and biophysical properties (such as structural, functional, and spatial information, amino acid conservation, physicochemical variation, residue mobility, and thermodynamic stability) performed at Invitae indicates that this missense variant is expected to disrupt PMS2 protein function with a positive predictive value of 80%. In summary, the available evidence is currently insufficient to determine the role of this variant in disease. Therefore, it has been classified as a Variant of Uncertain Significance.

Ambry Genetics
Classification: Uncertain significance for Hereditary cancer-predisposing syndrome. Last evaluated: 2020-09-03. Review status: criteria provided, single submitter. Criteria: Ambry Variant Classification Scheme 2023. Collection method: clinical testing. Allele origin: germline.
Comment: The p.W841R variant (also known as c.2521T>C), located in coding exon 15 of the PMS2 gene, results from a T to C substitution at nucleotide position 2521. The tryptophan at codon 841 is replaced by arginine, an amino acid with dissimilar properties. This amino acid position is highly conserved in available vertebrate species. In addition, this alteration is predicted to be deleterious by in silico analysis. Since supporting evidence is limited at this time, the clinical significance of this alteration remains unclear.